The following is an entry in ClinVar:

NM_001447.3(FAT2):c.983G>T (p.Gly328Val)

Gene: FAT2 (FAT atypical cadherin 2; minus strand). Cytogenetic location: 5q33.1.
Variant type: single nucleotide variant.
Coding change: c.983G>T on transcript NM_001447.3 (MANE Select); coding-DNA position 983, G replaced by T.
Protein change: p.Gly328Val; replaces glycine 328 with valine.
Molecular consequence: missense variant.
Genome position (GRCh38, 1-based): chr5:151,567,949, C>A on the plus strand (G>T on the coding strand, the complement: FAT2 is on the minus strand). VCF-style: chr5-151567949-C-A. GRCh37 (hg19) VCF-style: chr5-150947510-C-A.
Other names: short protein forms G328V.
Identifiers: ClinVar variation 3513252 (VCV003513252.2).

ClinVar aggregate classification (germline): Uncertain significance. Review status: criteria provided, multiple submitters, no conflicts (2 of 4 stars). 2 submissions from 2 submitters: Uncertain significance (2). Last evaluated 2025-01-08.

Conditions:
FAT2-related disorder. Also called: FAT2-related condition.

gnomAD v4.1: 8 of 1,614,066 alleles (0.0005%); highest among the groups gnomAD compares: Non-Finnish European, 0.00068%; no homozygotes.

Submissions (2):

PreventionGenetics, part of Exact Sciences
Classification: Uncertain significance for FAT2-related condition. Last evaluated: 2025-01-08. Review status: criteria provided, single submitter. Criteria: ACMG Guidelines, 2015. Collection method: clinical testing. Allele origin: germline.
Comment: The FAT2 c.983G>T variant is predicted to result in the amino acid substitution p.Gly328Val. To our knowledge, this variant has not been reported in the literature or in a large population database (gnomAD), indicating this variant is rare. At this time, the clinical significance of this variant is uncertain due to the absence of conclusive functional and genetic evidence.

Ambry Genetics
Classification: Uncertain significance. Last evaluated: 2024-11-24. Review status: criteria provided, single submitter. Criteria: Ambry Variant Classification Scheme 2023. Collection method: clinical testing. Allele origin: germline.